The following is an entry in ClinVar:

ClinVar aggregate classification (germline): Pathogenic/Likely pathogenic. Review status: criteria provided, multiple submitters, no conflicts (2 of 4 stars). 6 submissions from 6 submitters: Pathogenic (3); Likely pathogenic (2). 1 of the submissions does not count toward it. Last evaluated 2025-03-25.

Conditions:
Retinitis pigmentosa (RP). Identifiers: Orphanet 791, MedGen C0035334, MeSH D012174, MONDO:0019200, OMIM 268000. Inheritance: Autosomal dominant, autosomal recessive and X linked inheritance.
ABCA4-related disorder. Also called: ABCA4-related disorders; ABCA4-related condition. Identifiers: MedGen CN239167.

Submissions (6):

Labcorp Genetics (formerly Invitae), Labcorp
Classification: Pathogenic. Last evaluated: 2025-03-25. Review status: criteria provided, single submitter. Criteria: Invitae Variant Classification Sherloc (09022015). Collection method: clinical testing. Allele origin: germline.
Comment: This sequence change falls in intron 36 of the ABCA4 gene. It does not directly change the encoded amino acid sequence of the ABCA4 protein. RNA analysis indicates that this variant induces altered splicing and likely results in a shortened protein product. This variant is present in population databases (rs61753023, gnomAD 0.001%). This variant has been observed in individuals with ABCA4-related conditions (PMID: 18285826, 30670881). This variant is also known as c.5196+1_5196+4del. ClinVar contains an entry for this variant (Variation ID: 99352). Variants that disrupt the consensus splice site are a relatively common cause of aberrant splicing (PMID: 17576681, 9536098). Studies have shown that this variant results in skipping of exons 35-36, but is expected to preserve the integrity of the reading-frame (PMID: 29162642). This variant disrupts the p.Arg1705 amino acid residue in ABCA4. Other variant(s) that disrupt this residue have been determined to be pathogenic (PMID: 17325179, 23419329, 23769331; internal data). This suggests that this residue is clinically significant, and that variants that disrupt this residue are likely to be disease-causing. For these reasons, this variant has been classified as Pathogenic.

3billion
Classification: Likely pathogenic for ABCA4-related disorder. Last evaluated: 2025-03-08. Review status: criteria provided, single submitter. Criteria: ACMG Guidelines, 2015. Collection method: clinical testing. Allele origin: germline. Affected: yes.

Blueprint Genetics
Classification: Pathogenic for ABCA4-related disorders. Last evaluated: 2023-10-31. Review status: criteria provided, single submitter. Criteria: ACMG Guidelines, 2015. Collection method: clinical testing. Allele origin: germline. Affected: yes. Observed: 5 variant alleles.

Broad Center for Mendelian Genomics, Broad Institute of MIT and Harvard
Classification: Likely pathogenic for Retinitis pigmentosa. Last evaluated: 2021-04-01. Review status: criteria provided, single submitter. Criteria: ACMG Guidelines, 2015. Collection method: curation. Allele origin: germline. Inheritance: Autosomal recessive inheritance. Affected: yes.
Comment: Through a review of available evidence we were able to apply the following criteria: PM2, PS3, PM3-P, PM1. Based on this evidence we have classified this variant as Likely Pathogenic. If you have any questions about the classification please reach out to the Pierce Lab.

GeneDx
Classification: Pathogenic. Last evaluated: 2019-09-11. Review status: criteria provided, single submitter. Criteria: GeneDx Variant Classification Process June 2021. Collection method: clinical testing. Allele origin: germline. Affected: yes.
Comment: Intronic +5 splice site variant in a gene for which loss-of-function is a known mechanism of disease, and both in silico predictors and evolutionary conservation support a deleterious effect; Not observed at a significant frequency in large population cohorts (Lek et al., 2016); This variant is associated with the following publications: (PMID: 30670881, 18285826)

Retina International
No classification provided. Review status: no classification provided. Collection method: not provided. Allele origin: not provided. Not counted in ClinVar's aggregate classification.

Literature cited by the submitters: PubMed 18285826 (cited by Labcorp Genetics (formerly Invitae), Labcorp and Broad Center for Mendelian Genomics, Broad Institute of MIT and Harvard); PubMed 30670881 (cited by Labcorp Genetics (formerly Invitae), Labcorp and Broad Center for Mendelian Genomics, Broad Institute of MIT and Harvard); PubMed 17576681 (cited by Labcorp Genetics (formerly Invitae), Labcorp and Broad Center for Mendelian Genomics, Broad Institute of MIT and Harvard); PubMed 9536098 (cited by Labcorp Genetics (formerly Invitae), Labcorp and Broad Center for Mendelian Genomics, Broad Institute of MIT and Harvard); PubMed 29162642 (cited by Labcorp Genetics (formerly Invitae), Labcorp and Broad Center for Mendelian Genomics, Broad Institute of MIT and Harvard); PubMed 17325179 (cited by Labcorp Genetics (formerly Invitae), Labcorp); PubMed 23419329 (cited by Labcorp Genetics (formerly Invitae), Labcorp); PubMed 23769331 (cited by Labcorp Genetics (formerly Invitae), Labcorp); PubMed 34906470 (cited by Broad Center for Mendelian Genomics, Broad Institute of MIT and Harvard).

NM_000350.3(ABCA4):c.5196+3_5196+6del

Gene: ABCA4 (ATP binding cassette subfamily A member 4; minus strand). Cytogenetic location: 1p22.1.
Variant type: Deletion.
Coding change: c.5196+3_5196+6del on transcript NM_000350.3 (MANE Select); bases 3 to 6 of the intron after coding-DNA position 5196, 4 bases deleted (AAGT; older notation c.5196+3_5196+6delAAGT).
Molecular consequence: splice donor variant.
Genome position (GRCh38, 1-based): chr1:94,019,576-94,019,579, ACTT deleted on the plus strand (AAGT on the coding strand, the reverse complement: ABCA4 is on the minus strand); deleting any 4 consecutive bases within chr1:94,019,576-94,019,581 gives the same sequence; the c. name uses the placement nearest the transcript's 3' end. VCF-style (leftmost placement, unchanged base first): chr1-94019575-CACTT-C. GRCh37 (hg19) VCF-style: chr1-94485131-CACTT-C.
Other names: c.5196+3_5196+6del (NM_000350.2).
Identifiers: ClinVar variation 99352 (VCV000099352.16), dbSNP rs61753023, ClinGen allele CA227281.
Genomic context (GRCh38, chr1:94,019,575, plus strand): 5'-TCAGAGCACACACAAGCTCCACCTTGGGCCCACGGAGGGGAGGGAGGCGCTGTAAACTGA[CACTT>C]ACGATGTCCCAGAGGAAGTTGGTCACCCAGTAGGTGGTGGGGCTCACTCCACTGATAAAC-3'